The following is an entry in ClinVar:

ClinVar aggregate classification (germline): Conflicting classifications of pathogenicity. Review status: criteria provided, conflicting classifications (1 of 4 stars). 3 submissions from 3 submitters: Likely pathogenic (1); Uncertain significance (2). Last evaluated 2026-10-13.

Conditions:
Autosomal recessive nonsyndromic hearing loss 7. Also called: DEAFNESS, AUTOSOMAL RECESSIVE 11. Identifiers: Orphanet 90636, MedGen C1832978, MONDO:0010967, OMIM 600974.

Allele frequency attached by ClinVar (database versions not stated): gnomAD exomes below 0.00001 and 0.00001; ExAC 0.00002; TOPMed 0.00002.
gnomAD v4.1: 13 of 1,613,040 alleles (0.00081%); highest among the groups gnomAD compares: Admixed American, 0.0017%; no homozygotes.

Submissions (3):

Institute of Rare Diseases, West China Hospital, Sichuan University
Classification: Likely pathogenic for Autosomal recessive nonsyndromic hearing loss 7. Last evaluated: 2026-10-13. Review status: criteria provided, single submitter. Criteria: ClinGen HL ACMG Specifications v1. Collection method: research. Allele origin: germline. Affected: yes.
Comment: This non‑canonical donor splice‑site variant causes partial exon15 skipping validated by minigene assay (PS3). It is extremely rare in general‑population databases (PM2_Supporting). Identified in trans with another TMC1 pathogenic variant (PM3). In‑silico prediction supports splicing disruption (PP3). ACMG classification: Likely pathogenic(PS3,PM2_Supporting,PM3,PP3).

CeGaT Center for Human Genetics Tuebingen
Classification: Uncertain significance. Last evaluated: 2024-03-01. Review status: criteria provided, single submitter. Criteria: CeGaT Center For Human Genetics Tuebingen Variant Classification Criteria Version 2. Collection method: clinical testing. Allele origin: germline. Affected: yes. Observed: 1 variant allele.
Comment: TMC1: PM2, PP3

Laboratory for Molecular Medicine, Mass General Brigham Personalized Medicine
Classification: Uncertain significance. Last evaluated: 2013-02-07. Review status: criteria provided, single submitter. Criteria: LMM Criteria. Collection method: clinical testing. Allele origin: germline. Observed: 1 variant allele.
Comment: Variant classified as Uncertain Significance - Favor Pathogenic. The 1224+5G>A v ariant in TMC1 has not been reported in the literature nor previously identified by our laboratory. This variant is located in the 5' splice region. Computation al tools suggest that the variant may result in a possible impact to splicing an d the guanine (G) nucleotide at that position is well conserved across mammals a nd distant species. However, this information is not predictive enough to rule o ut pathogenicity. In summary, the clinical significance of this variant cannot b e determined with certainty; however based upon the computational analyses and t he conservation data, we would lean towards a more likely pathogenic role

NM_138691.3(TMC1):c.1224+5G>A

Gene: TMC1 (transmembrane channel like 1; plus strand). Cytogenetic location: 9q21.13.
Variant type: single nucleotide variant.
Coding change: c.1224+5G>A on transcript NM_138691.3 (MANE Select); 5 bases into the intron after coding-DNA position 1224, G replaced by A.
Molecular consequence: intron variant.
Genome position (GRCh38, 1-based): chr9:72,789,322, G>A. VCF-style: chr9-72789322-G-A. GRCh37 (hg19) VCF-style: chr9-75404238-G-A.
Identifiers: ClinVar variation 47857 (VCV000047857.27), dbSNP rs397517835, ClinGen allele CA142050.